The following is an entry in ClinVar:

NM_001875.5(CPS1):c.3304dup (p.Ala1102fs)

Gene: CPS1 (carbamoyl-phosphate synthase 1; plus strand). Cytogenetic location: 2q34.
Variant type: Duplication.
Coding change: c.3304dup on transcript NM_001875.5 (MANE Select); coding-DNA position 3304, one base duplicated (G; older notation c.3304dupG).
Protein change: p.Ala1102fs; shifts the reading frame from alanine 1102.
Molecular consequence: frameshift variant. On other transcripts: non-coding transcript variant (2).
Genome position (GRCh38, 1-based): chr2:210,648,025, G duplicated; the last of 2 consecutive G bases (chr2:210,648,024-210,648,025); duplicating either gives the same sequence. VCF-style (leftmost placement, unchanged base first): chr2-210648023-T-TG. GRCh37 (hg19) VCF-style: chr2-211512747-T-TG.
Other names: c.3304dup, p.Ala1102fs (NM_001122633.3, NM_001369257.1); c.3337dup, p.Ala1113fs (NM_001369256.1); short protein forms A1113fs, A1102fs.
Identifiers: ClinVar variation 2743677 (VCV002743677.3), dbSNP rs2469293413, ClinGen allele CA2697550411.

ClinVar aggregate classification (germline): Pathogenic (1 of 4 stars; one submission).

Conditions:
Congenital hyperammonemia, type I. Also called: Carbamoyl phosphate synthetase I deficiency disease; Carbamoyl-phosphate synthase I deficiency; Carbamoyl phosphate synthetase 1 deficiency; Hyperammonemia due to carbamoyl phosphate synthetase 1 deficiency; CPS 1 deficiency; Carbamyl phosphate synthetase (CPS) deficiency. Identifiers: Orphanet 147, MedGen C4082171, MONDO:0009376, OMIM 237300.

Submission:

Labcorp Genetics (formerly Invitae), Labcorp
Classification: Pathogenic for Congenital hyperammonemia, type I. Last evaluated: 2023-07-16. Review status: criteria provided, single submitter. Criteria: Invitae Variant Classification Sherloc (09022015). Collection method: clinical testing. Allele origin: germline.
Comment: This variant is not present in population databases (gnomAD no frequency). For these reasons, this variant has been classified as Pathogenic. Algorithms developed to predict the effect of sequence changes on RNA splicing suggest that this variant may create or strengthen a splice site. This variant has not been reported in the literature in individuals affected with CPS1-related conditions. This sequence change creates a premature translational stop signal (p.Ala1102Glyfs*9) in the CPS1 gene. It is expected to result in an absent or disrupted protein product. Loss-of-function variants in CPS1 are known to be pathogenic (PMID: 21120950).

Literature cited by the submitters: PubMed 21120950.